The following is an entry in ClinVar:

ClinVar aggregate classification (germline): Uncertain significance (1 of 4 stars; one submission).

Submission:

Dasa
Classification: Uncertain significance. Last evaluated: 2026-03-23. Review status: criteria provided, single submitter. Criteria: DASA Assertion Criteria. Collection method: clinical testing. Allele origin: germline.
Comment: NM_014967.5(FAN1):c.1268A>C (p.Gln423Pro) is a missense variant that results in the substitution of glutamine with proline. This variant is rare in population databases. The currently available literature and clinical evidence are not sufficient to establish a definitive association between this variant and the reported condition. Therefore, this variant is classified as a variant of uncertain significance.

NM_014967.5(FAN1):c.1268A>C (p.Gln423Pro)

Gene: FAN1 (FANCD2 and FANCI associated nuclease 1; plus strand). Cytogenetic location: 15q13.3.
Variant type: single nucleotide variant.
Coding change: c.1268A>C on transcript NM_014967.5 (MANE Select); coding-DNA position 1268, A replaced by C.
Protein change: p.Gln423Pro; replaces glutamine 423 with proline.
Molecular consequence: missense variant.
Genome position (GRCh38, 1-based): chr15:30,908,151, A>C. VCF-style: chr15-30908151-A-C. GRCh37 (hg19) VCF-style: chr15-31200354-A-C.
Other names: c.1268A>C, p.Gln423Pro (NM_001146094.2, NM_001146095.1, NM_001146096.2); short protein forms Q423P.
Identifiers: ClinVar variation 4883104 (VCV004883104.2).